The following is an entry in ClinVar:

NM_003200.5(TCF3):c.377T>C (p.Leu126Pro)

Gene: TCF3 (transcription factor 3; minus strand). Cytogenetic location: 19p13.3.
Variant type: single nucleotide variant.
Coding change: c.377T>C on transcript NM_003200.5 (MANE Select); coding-DNA position 377, T replaced by C.
Protein change: p.Leu126Pro; replaces leucine 126 with proline.
Molecular consequence: missense variant.
Genome position (GRCh38, 1-based): chr19:1,625,698, A>G on the plus strand (T>C on the coding strand, the complement: TCF3 is on the minus strand). VCF-style: chr19-1625698-A-G. GRCh37 (hg19) VCF-style: chr19-1625697-A-G.
Other names: c.377T>C (NM_003200.3); c.377T>C, p.Leu126Pro (NM_001136139.4, NM_001351778.2, NM_001351779.2); short protein forms L126P.
Identifiers: ClinVar variation 1463664 (VCV001463664.9), dbSNP rs748571230, ClinGen allele CA9050414.

ClinVar aggregate classification (germline): Uncertain significance. Review status: criteria provided, multiple submitters, no conflicts (2 of 4 stars). 2 submissions from 2 submitters: Uncertain significance (2). Last evaluated 2025-11-10.

Conditions:
TCF3-related disorder. Also called: TCF3-related condition.

Allele frequency attached by ClinVar (database versions not stated): gnomAD 0.00001; gnomAD exomes 0.00001; TOPMed 0.00001; ExAC 0.00004.
gnomAD v4.1: 12 of 1,514,110 alleles (0.00079%); highest among the groups gnomAD compares: Non-Finnish European, 0.00097%; no homozygotes.

Submissions (2):

PreventionGenetics, part of Exact Sciences
Classification: Uncertain significance for TCF3-related condition. Last evaluated: 2025-11-10. Review status: criteria provided, single submitter. Criteria: ACMG Guidelines, 2015. Collection method: clinical testing. Allele origin: germline.
Comment: The TCF3 c.377T>C variant is predicted to result in the amino acid substitution p.Leu126Pro. To our knowledge, this variant has not been reported in the literature. This variant is reported in 0.0039% of alleles in individuals of European (Non-Finnish) descent in gnomAD. At this time, the clinical significance of this variant is uncertain due to the absence of conclusive functional and genetic evidence.

Labcorp Genetics (formerly Invitae), Labcorp
Classification: Uncertain significance. Last evaluated: 2024-07-17. Review status: criteria provided, single submitter. Criteria: Invitae Variant Classification Sherloc (09022015). Collection method: clinical testing. Allele origin: germline.
Comment: This sequence change replaces leucine, which is neutral and non-polar, with proline, which is neutral and non-polar, at codon 126 of the TCF3 protein (p.Leu126Pro). The frequency data for this variant in the population databases is considered unreliable, as metrics indicate poor data quality at this position in the gnomAD database. This variant has not been reported in the literature in individuals affected with TCF3-related conditions. ClinVar contains an entry for this variant (Variation ID: 1463664). Advanced modeling of protein sequence and biophysical properties (such as structural, functional, and spatial information, amino acid conservation, physicochemical variation, residue mobility, and thermodynamic stability) performed at Invitae indicates that this missense variant is expected to disrupt TCF3 protein function with a positive predictive value of 80%. In summary, the available evidence is currently insufficient to determine the role of this variant in disease. Therefore, it has been classified as a Variant of Uncertain Significance.